The following is an entry in ClinVar:

ClinVar aggregate classification (germline): Likely pathogenic. Review status: criteria provided, single submitter (1 of 4 stars). 2 submissions from 2 submitters: Likely pathogenic (1). 1 of the submissions does not count toward it. Last evaluated 2021-04-13.

Conditions:
Immunodeficiency 72 with autoinflammation. Also called: IMMUNODEFICIENCY 72 WITH AUTOINFLAMMATION AND LYMPHOPROLIFERATION. Identifiers: MedGen C5436540, MONDO:0033551, OMIM 618982.

Submissions (2):

SIB Swiss Institute of Bioinformatics
Classification: Likely pathogenic for Immunodeficiency 72 with autoinflammation. Last evaluated: 2021-04-13. Review status: criteria provided, single submitter. Criteria: ACMG Guidelines, 2015. Collection method: curation. Allele origin: unknown.
Comment: This variant is interpreted as likely pathogenic for Immunodeficiency 72 with autoinflammation, autosomal recessive. The following ACMG Tag(s) were applied: Absent from controls (or at extremely low frequency if recessive) in Exome Sequencing Project, 1000 Genomes Project, or Exome Aggregation Consortium (PM2); Well-established functional studies show a deleterious effect (PS3); For recessive disorders, detected in trans with a likely pathogenic/pathogenic variant (PM3 downgraded to supporting).

OMIM
Classification: Pathogenic for IMMUNODEFICIENCY 72 WITH AUTOINFLAMMATION AND LYMPHOPROLIFERATION. Last evaluated: 2023-03-15. Review status: no assertion criteria provided. Collection method: literature only. Allele origin: germline. Not counted in ClinVar's aggregate classification.

Literature cited by the submitters: PubMed 32647003 (cited by SIB Swiss Institute of Bioinformatics and OMIM).

NM_005337.5(NCKAP1L):c.773G>T (p.Arg258Leu)

Gene: NCKAP1L (NCK associated protein 1 like; plus strand). Cytogenetic location: 12q13.2.
Variant type: single nucleotide variant.
Coding change: c.773G>T on transcript NM_005337.5 (MANE Select); coding-DNA position 773, G replaced by T.
Protein change: p.Arg258Leu; replaces arginine 258 with leucine.
Molecular consequence: missense variant.
Genome position (GRCh38, 1-based): chr12:54,511,840, G>T. VCF-style: chr12-54511840-G-T. GRCh37 (hg19) VCF-style: chr12-54905624-G-T.
Other names: c.623G>T, p.Arg208Leu (NM_001184976.2); short protein forms R258L, R208L.
Identifiers: ClinVar variation 976849 (VCV000976849.3), dbSNP rs1956891911, ClinGen allele CA385130992.